The following is an entry in ClinVar:

NM_001134659.1(PRR23A):c.39G>T (p.Ala13=)

Gene: PRR23A (proline rich 23A; minus strand). Cytogenetic location: 3q23.
Variant type: single nucleotide variant.
Coding change: c.39G>T on transcript NM_001134659.1 (MANE Select); coding-DNA position 39, G replaced by T.
Protein change: p.Ala13=; no amino-acid change (alanine 13 retained).
Molecular consequence: synonymous variant.
Genome position (GRCh38, 1-based): chr3:139,006,230, C>A on the plus strand (G>T on the coding strand, the complement: PRR23A is on the minus strand). VCF-style: chr3-139006230-C-A. GRCh37 (hg19) VCF-style: chr3-138725072-C-A.
Identifiers: ClinVar variation 4533696 (VCV004533696.6).

ClinVar aggregate classification (germline): Likely benign (1 of 4 stars; one submission).

Submission:

CeGaT Center for Human Genetics Tuebingen
Classification: Likely benign. Last evaluated: 2026-05-01. Review status: criteria provided, single submitter. Criteria: CeGaT Center For Human Genetics Tuebingen Variant Classification Criteria Version 2. Collection method: clinical testing. Allele origin: germline. Affected: yes. Observed: 4 variant alleles.
Comment: PRR23A: BP4, BP7